The following is an entry in ClinVar:

ClinVar aggregate classification (germline): Conflicting classifications of pathogenicity. Review status: criteria provided, conflicting classifications (1 of 4 stars). 3 submissions from 3 submitters: Uncertain significance (1); Likely benign (2). Last evaluated 2025-11-13.

Conditions:
Developmental and epileptic encephalopathy, 53. Also called: Epileptic encephalopathy, early infantile, 53. Identifiers: MedGen C4479313, MONDO:0033362, OMIM 617389.
Early-onset Parkinson disease 20. Also called: PARKINSON DISEASE 20, AUTOSOMAL RECESSIVE EARLY-ONSET. Identifiers: Orphanet 391411, MedGen C3809824, MONDO:0014233, OMIM 615530.
Inborn genetic diseases. Identifiers: MedGen C0950123, MeSH D030342.

Allele frequency attached by ClinVar (database versions not stated): gnomAD exomes 0.00002 and 0.00007; gnomAD 0.00003; ExAC 0.00006; TOPMed 0.00007; 1000 Genomes Project 30x 0.00016; 1000 Genomes Project 0.00020.
gnomAD v4.1: 32 of 1,606,910 alleles (0.002%); highest among the groups gnomAD compares: East Asian, 0.034%; no homozygotes.

Submissions (3):

Labcorp Genetics (formerly Invitae), Labcorp
Classification: Likely benign for Developmental and epileptic encephalopathy, 53; Early-onset Parkinson disease 20. Last evaluated: 2025-11-13. Review status: criteria provided, single submitter. Criteria: Invitae Variant Classification Sherloc (09022015). Collection method: clinical testing. Allele origin: germline.

Ambry Genetics
Classification: Uncertain significance for Inborn genetic diseases. Last evaluated: 2022-10-13. Review status: criteria provided, single submitter. Criteria: Ambry Variant Classification Scheme 2023. Collection method: clinical testing. Allele origin: germline.
Comment: The c.1628-4A>G intronic alteration consists of an A to G substitution 4 nucleotides before exon 13 of the SYNJ1 gene. Based on insufficient or conflicting evidence, the clinical significance of this alteration remains unclear.

CeGaT Center for Human Genetics Tuebingen
Classification: Likely benign. Last evaluated: 2022-09-01. Review status: criteria provided, single submitter. Criteria: CeGaT Center For Human Genetics Tuebingen Variant Classification Criteria Version 2. Collection method: clinical testing. Allele origin: germline. Affected: yes. Observed: 1 variant allele.
Comment: SYNJ1: BP4

NM_203446.3(SYNJ1):c.1511-4A>G

Gene: SYNJ1 (synaptojanin 1; minus strand). Cytogenetic location: 21q22.11.
Variant type: single nucleotide variant.
Coding change: c.1511-4A>G on transcript NM_203446.3 (MANE Select); 4 bases into the intron before coding-DNA position 1511, A replaced by G.
Molecular consequence: intron variant.
Genome position (GRCh38, 1-based): chr21:32,676,359, T>C on the plus strand (A>G on the coding strand, the complement: SYNJ1 is on the minus strand). VCF-style: chr21-32676359-T-C. GRCh37 (hg19) VCF-style: chr21-34048669-T-C.
Other names: c.1628-4A>G (NM_003895.4); c.1511-4A>G (NM_001160302.2); c.1519+2286A>G (NM_001160306.2).
Identifiers: ClinVar variation 763054 (VCV000763054.35), dbSNP rs533995497, ClinGen allele CA10003865.